The following is an entry in ClinVar:

ClinVar aggregate classification (germline): Pathogenic/Likely pathogenic. Review status: criteria provided, multiple submitters, no conflicts (2 of 4 stars). 2 submissions from 2 submitters: Pathogenic (1); Likely pathogenic (1). Last evaluated 2025-06-16.

Conditions:
RGS9-related disorder. Also called: RGS9-related condition.

Allele frequency attached by ClinVar (database versions not stated): gnomAD exomes below 0.00001; ExAC 0.00001; gnomAD 0.00001; TOPMed 0.00003.
gnomAD v4.1: 15 of 1,605,674 alleles (0.00093%); highest among the groups gnomAD compares: African/African-American, 0.0013%; no homozygotes.

Submissions (2):

Labcorp Genetics (formerly Invitae), Labcorp
Classification: Pathogenic. Last evaluated: 2025-06-16. Review status: criteria provided, single submitter. Criteria: Invitae Variant Classification Sherloc (09022015). Collection method: clinical testing. Allele origin: germline.
Comment: This sequence change creates a premature translational stop signal (p.Arg192*) in the RGS9 gene. It is expected to result in an absent or disrupted protein product. Loss-of-function variants in RGS9 are known to be pathogenic (PMID: 11262419, 14702087). The frequency data for this variant in the population databases is considered unreliable, as metrics indicate poor data quality at this position in the gnomAD database. This variant has not been reported in the literature in individuals affected with RGS9-related conditions. ClinVar contains an entry for this variant (Variation ID: 848587). For these reasons, this variant has been classified as Pathogenic.

Blueprint Genetics
Classification: Likely pathogenic for RGS9-related disorders. Last evaluated: 2021-09-03. Review status: criteria provided, single submitter. Criteria: ACMG Guidelines, 2015. Collection method: clinical testing. Allele origin: germline. Affected: yes. Observed: 5 variant alleles.

Literature cited by the submitters: PubMed 11262419 (cited by Labcorp Genetics (formerly Invitae), Labcorp); PubMed 14702087 (cited by Labcorp Genetics (formerly Invitae), Labcorp).

NM_003835.4(RGS9):c.574C>T (p.Arg192Ter)

Gene: RGS9 (regulator of G protein signaling 9; plus strand). Cytogenetic location: 17q24.1.
Variant type: single nucleotide variant.
Coding change: c.574C>T on transcript NM_003835.4 (MANE Select); coding-DNA position 574, C replaced by T.
Protein change: p.Arg192Ter; replaces arginine 192 with a stop codon.
Molecular consequence: nonsense.
Genome position (GRCh38, 1-based): chr17:65,168,273, C>T. VCF-style: chr17-65168273-C-T. GRCh37 (hg19) VCF-style: chr17-63164391-C-T.
Other names: c.574C>T, p.Arg192Ter (NM_001081955.3, NM_001165933.2); short protein forms R192*.
Identifiers: ClinVar variation 848587 (VCV000848587.8), dbSNP rs779441016, ClinGen allele CA8717721.